The following is an entry in ClinVar:

ClinVar aggregate classification (germline): Benign/Likely benign. Review status: criteria provided, multiple submitters, no conflicts (2 of 4 stars). 6 submissions from 6 submitters: Benign (1); Likely benign (4). 1 of the submissions does not count toward it. Last evaluated 2026-08-01.

Conditions:
ANKRD11-related disorder. Also called: ANKRD11-related condition.
Inborn genetic diseases. Identifiers: MedGen C0950123, MeSH D030342.
KBG syndrome (KBGS). Also called: ANKRD11-Related KBG Syndrome. Identifiers: Orphanet 2332, MedGen C0220687, MONDO:0007846, OMIM 148050.

Allele frequency attached by ClinVar (database versions not stated): gnomAD 0.00001; TOPMed 0.00004; ExAC 0.00014; gnomAD exomes 0.00016; ESP Exome Variant Server 0.00031.
gnomAD v4.1: 179 of 1,613,048 alleles (0.011%); highest among the groups gnomAD compares: South Asian, 0.077%; 1 homozygote.

Submissions (6):

CeGaT Center for Human Genetics Tuebingen
Classification: Likely benign. Last evaluated: 2026-08-01. Review status: criteria provided, single submitter. Criteria: CeGaT Center For Human Genetics Tuebingen Variant Classification Criteria Version 2. Collection method: clinical testing. Allele origin: germline. Affected: yes. Observed: 3 variant alleles.
Comment: ANKRD11: BP4, BP7

Labcorp Genetics (formerly Invitae), Labcorp
Classification: Benign for KBG syndrome. Last evaluated: 2025-03-20. Review status: criteria provided, single submitter. Criteria: Invitae Variant Classification Sherloc (09022015). Collection method: clinical testing. Allele origin: germline.

Laboratory of Genetics, Children's Clinical University Hospital Latvia
Classification: Likely benign. Last evaluated: 2025-02-16. Review status: criteria provided, single submitter. Criteria: ACMG Guidelines, 2015. Collection method: clinical testing. Allele origin: germline. Affected: yes.

Blueprint Genetics
Classification: Likely benign. Last evaluated: 2024-10-03. Review status: criteria provided, single submitter. Criteria: ACMG Guidelines, 2015. Collection method: clinical testing. Allele origin: germline.

Ambry Genetics
Classification: Likely benign for Inborn genetic diseases. Last evaluated: 2020-01-16. Review status: criteria provided, single submitter. Criteria: Ambry Variant Classification Scheme 2023. Collection method: clinical testing. Allele origin: germline.

PreventionGenetics, part of Exact Sciences
Classification: Likely benign for ANKRD11-related condition. Last evaluated: 2023-12-05. Review status: no assertion criteria provided. Collection method: clinical testing. Allele origin: germline. Not counted in ClinVar's aggregate classification.
Comment: This variant is classified as likely benign based on ACMG/AMP sequence variant interpretation guidelines (Richards et al. 2015 PMID: 25741868, with internal and published modifications).

NM_013275.6(ANKRD11):c.3780G>A (p.Ser1260=)

Gene: ANKRD11 (ankyrin repeat domain 11; minus strand). Cytogenetic location: 16q24.3.
Variant type: single nucleotide variant.
Coding change: c.3780G>A on transcript NM_013275.6 (MANE Select); coding-DNA position 3780, G replaced by A.
Protein change: p.Ser1260=; no amino-acid change (serine 1260 retained).
Molecular consequence: synonymous variant.
Genome position (GRCh38, 1-based): chr16:89,282,762, C>T on the plus strand (G>A on the coding strand, the complement: ANKRD11 is on the minus strand). VCF-style: chr16-89282762-C-T. GRCh37 (hg19) VCF-style: chr16-89349170-C-T.
Other names: c.3780G>A, p.Ser1260= (NM_001256182.2, NM_001256183.2); c.3780G>A (NM_013275.5).
Identifiers: ClinVar variation 1602296 (VCV001602296.35), dbSNP rs139288405, ClinGen allele CA8242292.